The following is an entry in ClinVar:

NM_014844.5(TECPR2):c.3979C>T (p.Arg1327Cys)

Gene: TECPR2 (tectonin beta-propeller repeat containing 2; plus strand). Cytogenetic location: 14q32.31.
Variant type: single nucleotide variant.
Coding change: c.3979C>T on transcript NM_014844.5 (MANE Select); coding-DNA position 3979, C replaced by T.
Protein change: p.Arg1327Cys; replaces arginine 1327 with cysteine.
Molecular consequence: missense variant.
Genome position (GRCh38, 1-based): chr14:102,497,617, C>T. VCF-style: chr14-102497617-C-T. GRCh37 (hg19) VCF-style: chr14-102963954-C-T.
Other names: short protein forms R1327C.
Identifiers: ClinVar variation 1029313 (VCV001029313.3), dbSNP rs763261549, ClinGen allele CA7358426.

ClinVar aggregate classification (germline): Uncertain significance. Review status: criteria provided, multiple submitters, no conflicts (2 of 4 stars). 2 submissions from 2 submitters: Uncertain significance (2). Last evaluated 2021-09-17.

Conditions:
Hereditary spastic paraplegia 49 (HSAN9). Also called: Spastic paraplegia 49, autosomal recessive; NEUROPATHY, HEREDITARY SENSORY AND AUTONOMIC, TYPE IX, WITH DEVELOPMENTAL DELAY; TECPR2-Related Hereditary Sensory and Autonomic Neuropathy with Intellectual Disability. Identifiers: Orphanet 320385, MedGen C5190860, MONDO:0014016, OMIM 615031.

Allele frequency attached by ClinVar (database versions not stated): gnomAD exomes 0.00001; ExAC 0.00003; gnomAD 0.00003 and 0.00004; TOPMed 0.00003.
gnomAD v4.1: 18 of 1,608,956 alleles (0.0011%); highest among the groups gnomAD compares: African/African-American, 0.0094%; no homozygotes.

Submissions (2):

Labcorp Genetics (formerly Invitae), Labcorp
Classification: Uncertain significance for Hereditary spastic paraplegia 49. Last evaluated: 2021-09-17. Review status: criteria provided, single submitter. Criteria: Invitae Variant Classification Sherloc (09022015). Collection method: clinical testing. Allele origin: germline.
Comment: This sequence change replaces arginine with cysteine at codon 1327 of the TECPR2 protein (p.Arg1327Cys). The arginine residue is moderately conserved and there is a large physicochemical difference between arginine and cysteine. This variant is present in population databases (rs763261549, ExAC 0.02%). This variant has not been reported in the literature in individuals with TECPR2-related conditions. Algorithms developed to predict the effect of missense changes on protein structure and function are either unavailable or do not agree on the potential impact of this missense change (SIFT: "Deleterious"; PolyPhen-2: "Benign"; Align-GVGD: "Class C0"). In summary, the available evidence is currently insufficient to determine the role of this variant in disease. Therefore, it has been classified as a Variant of Uncertain Significance.

Baylor Genetics
Classification: Uncertain significance for Hereditary spastic paraplegia 49. Last evaluated: 2020-01-22. Review status: criteria provided, single submitter. Criteria: ACMG Guidelines, 2015. Collection method: clinical testing. Allele origin: unknown. Affected: yes.
Comment: This variant was determined to be of uncertain significance according to ACMG Guidelines, 2015 [PMID:25741868].